The following is an entry in ClinVar:

NM_001017365.3(C4BPB):c.504-21_504-3dup

Gene: C4BPB (complement component 4 binding protein beta; plus strand). Cytogenetic location: 1q32.1.
Variant type: Duplication.
Coding change: c.504-21_504-3dup on transcript NM_001017365.3 (MANE Select); 21 bases into the intron before coding-DNA position 504 through 3 bases into the intron before coding-DNA position 504, 19 bases duplicated (CTTGTTCTAATTTCTGTTC).
Molecular consequence: intron variant.
Genome position (GRCh38, 1-based): chr1:207,098,129-207,098,147, CTTGTTCTAATTTCTGTTC duplicated; duplicating any 19 consecutive bases within chr1:207,098,128-207,098,147 gives the same sequence; the c. name uses the placement nearest the transcript's 3' end. VCF-style (leftmost placement, unchanged base first): chr1-207098127-G-GCCTTGTTCTAATTTCTGTT. GRCh37 (hg19) VCF-style: chr1-207271472-G-GCCTTGTTCTAATTTCTGTT.
Other names: c.501-21_501-3dup (NM_001017366.3, NM_001017364.1); c.504-21_504-3dup (NM_000716.3, NM_001017367.1).
Identifiers: ClinVar variation 3035845 (VCV003035845.2), dbSNP rs766063273, ClinGen allele CA1367334.

ClinVar aggregate classification (germline): Likely benign (0 of 4 stars; one submission).

Conditions:
C4BPB-related disorder. Also called: C4BPB-related condition.

Submission:

PreventionGenetics, part of Exact Sciences
Classification: Likely benign for C4BPB-related condition. Last evaluated: 2023-08-14. Review status: no assertion criteria provided. Collection method: clinical testing. Allele origin: germline.
Comment: This variant is classified as likely benign based on ACMG/AMP sequence variant interpretation guidelines (Richards et al. 2015 PMID: 25741868, with internal and published modifications).